The following is an entry in ClinVar:

NM_176869.3(PPA2):c.791C>T (p.Ala264Val)

Gene: PPA2 (inorganic pyrophosphatase 2; minus strand). Cytogenetic location: 4q24.
Variant type: single nucleotide variant.
Coding change: c.791C>T on transcript NM_176869.3 (MANE Select); coding-DNA position 791, C replaced by T.
Protein change: p.Ala264Val; replaces alanine 264 with valine.
Molecular consequence: missense variant.
Genome position (GRCh38, 1-based): chr4:105,396,327, G>A on the plus strand (C>T on the coding strand, the complement: PPA2 is on the minus strand). VCF-style: chr4-105396327-G-A. GRCh37 (hg19) VCF-style: chr4-106317484-G-A.
Other names: c.704C>T, p.Ala235Val (NM_006903.4); c.485C>T, p.Ala162Val (NM_176866.2); c.293C>T, p.Ala98Val (NM_176867.3); short protein forms A162V, A235V, A264V, A98V.
Identifiers: ClinVar variation 1699311 (VCV001699311.3), dbSNP rs2110390901, ClinGen allele CA357789210.

ClinVar aggregate classification (germline): Uncertain significance (1 of 4 stars; one submission).

Conditions:
Sudden cardiac failure, infantile (SCFI). Identifiers: MedGen C4310664, MONDO:0014973, OMIM 617222.

Submission:

Victorian Clinical Genetics Services, Murdoch Childrens Research Institute
Classification: Uncertain significance for Sudden cardiac failure, infantile. Last evaluated: 2020-10-19. Review status: criteria provided, single submitter. Criteria: ACMG Guidelines, 2015. Collection method: clinical testing. Allele origin: germline. Inheritance: Autosomal recessive inheritance.
Comment: Based on the classification scheme VCGS_Germline_v1.3.3, this variant is classified as VUS – 3A. Following criteria are met: 0102 - Loss of function is a known mechanism of disease in this gene and is associated with sudden cardiac failure. (I) 0106 - This gene is associated with autosomal recessive disease. (I) 0200 - Variant is predicted to result in a missense amino acid change from alanine to valine. (I) 0251 - This variant is heterozygous. (I) 0301 - Variant is absent from gnomAD (both v2 and v3). (SP) 0502 - Missense variant with conflicting in silico predictions and uninformative conservation. (I) 0600 - Variant is located in the annotated pyrophosphatase domain (PDB). (I) 0705 - No comparable missense variants have previous evidence for pathogenicity. (I) 0807 - This variant has no previous evidence of pathogenicity. (I) 0905 - No published segregation evidence has been identified for this variant. (I) 1007 - No published functional evidence has been identified for this variant. (I) 1102 - Strong phenotype match for this individual. (SP) 1208 - Inheritance information for this variant is not currently available in this individual. (I) Legend: (SP) - Supporting pathogenic, (I) - Information, (SB) - Supporting benign